The following is an entry in ClinVar:

NM_012418.4(FSCN2):c.1445_1446insTGCCCA (p.Ala483_Pro484insHisAla)

Gene: FSCN2 (fascin actin-bundling protein 2, retinal; plus strand). Cytogenetic location: 17q25.3.
Variant type: Insertion.
Coding change: c.1445_1446insTGCCCA on transcript NM_012418.4 (MANE Select); coding-DNA positions 1445 to 1446, TGCCCA inserted.
Protein change: p.Ala483_Pro484insHisAla.
Genome position: GRCh38 VCF-style: chr17-81537045-G-GATGCCC. GRCh37 (hg19) VCF-style: chr17-79504071-G-GATGCCC.
Other names: c.1517_1518insTGCCCA, p.Ala507_Pro508insHisAla (NM_001077182.3).
Identifiers: ClinVar variation 4765042 (VCV004765042.1).

ClinVar aggregate classification (germline): Uncertain significance (1 of 4 stars; one submission).

Submission:

Labcorp Genetics (formerly Invitae), Labcorp
Classification: Uncertain significance. Last evaluated: 2025-09-23. Review status: criteria provided, single submitter. Criteria: Invitae Variant Classification Sherloc (09022015). Collection method: clinical testing. Allele origin: germline.
Comment: This variant, c.1517_1518insTGCCCA, results in the insertion of 2 amino acid(s) of the FSCN2 protein (p.Ala507_Pro508insHisAla), but otherwise preserves the integrity of the reading frame. This variant is not present in population databases (gnomAD no frequency). This variant has not been reported in the literature in individuals affected with FSCN2-related conditions. In summary, the available evidence is currently insufficient to determine the role of this variant in disease. Therefore, it has been classified as a Variant of Uncertain Significance.